The following is an entry in ClinVar:

ClinVar aggregate classification (germline): Uncertain significance (1 of 4 stars; one submission).

Submission:

Women's Health and Genetics/Laboratory Corporation of America, LabCorp
Classification: Uncertain significance. Last evaluated: 2025-05-13. Review status: criteria provided, single submitter. Criteria: LabCorp Variant Classification Summary - May 2015. Collection method: clinical testing. Allele origin: germline.
Comment: Variant summary: DSE c.-53-6A>G is located in the untranslated mRNA region upstream of the initiation codon. The variant alters a non-conserved nucleotide located close to a canonical splice site and therefore could affect mRNA splicing, leading to a significantly altered protein sequence. Consensus agreement among computation tools predicts no significant impact on normal splicing. However, these predictions have yet to be confirmed by functional studies. The variant was absent in 245424 control chromosomes (gnomAD). The available data on variant occurrences in the general population are insufficient to allow any conclusion about variant significance. To our knowledge, no occurrence of c.-53-6A>G in individuals affected with Ehlers-Danlos syndrome, musculocontractural type 2 and no experimental evidence demonstrating its impact on protein function have been reported. No submitters have cited clinical-significance assessments for this variant to ClinVar. Based on the evidence outlined above, the variant was classified as uncertain significance.

NM_013352.4(DSE):c.-53-6A>G

Gene: DSE (dermatan sulfate epimerase; plus strand). Cytogenetic location: 6q22.1.
Variant type: single nucleotide variant.
Coding change: c.-53-6A>G on transcript NM_013352.4 (MANE Select); 6 bases into the intron before 53 bases upstream of the start codon, A replaced by G.
Molecular consequence: intron variant.
Genome position (GRCh38, 1-based): chr6:116,399,192, A>G. VCF-style: chr6-116399192-A-G. GRCh37 (hg19) VCF-style: chr6-116720355-A-G.
Other names: c.-953-6A>G (NM_001374520.1); c.-53-6A>G (NM_001322937.2, NM_001322938.2, NM_001374522.1 and 3 more transcripts); c.-640-6A>G (NM_001374521.1); c.-610-6A>G (NM_001322940.2, NM_001322941.2); c.5-6A>G (NM_001322939.2).
Identifiers: ClinVar variation 3902267 (VCV003902267.1).
Genomic context (GRCh38, chr6:116,399,192, plus strand): 5'-TGTTTCCACACCTGTGCCATGTTCCCTTGGCTGACAGACACTTTTTTTCCTTTTTATCTC[A>G]CGTAGGATCTTTCGAAGATGGTTTGGCTGCCTTGGAGATTTGGAGATCTGATGCCACGAT-3'